The following is an entry in ClinVar:

ClinVar aggregate classification (germline): Uncertain significance (1 of 4 stars; one submission).

Submission:

Labcorp Genetics (formerly Invitae), Labcorp
Classification: Uncertain significance. Last evaluated: 2022-07-25. Review status: criteria provided, single submitter. Criteria: Invitae Variant Classification Sherloc (09022015). Collection method: clinical testing. Allele origin: germline.
Comment: In summary, the available evidence is currently insufficient to determine the role of this variant in disease. Therefore, it has been classified as a Variant of Uncertain Significance. Algorithms developed to predict the effect of missense changes on protein structure and function output the following: SIFT: "Not Available"; PolyPhen-2: "Benign"; Align-GVGD: "Not Available". The glycine amino acid residue is found in multiple mammalian species, which suggests that this missense change does not adversely affect protein function. This variant has not been reported in the literature in individuals affected with OAS1-related conditions. This variant is not present in population databases (gnomAD no frequency). This sequence change replaces aspartic acid, which is acidic and polar, with glycine, which is neutral and non-polar, at codon 3 of the OAS1 protein (p.Asp3Gly).

NM_016816.4(OAS1):c.8A>G (p.Asp3Gly)

Genes: OAS1 (2'-5'-oligoadenylate synthetase 1; plus strand), LOC130008812 (ATAC-STARR-seq lymphoblastoid active region 7052; plus strand). Cytogenetic location: 12q24.13.
Variant type: single nucleotide variant.
Coding change: c.8A>G on transcript NM_016816.4 (MANE Select); coding-DNA position 8, A replaced by G.
Protein change: p.Asp3Gly; replaces aspartic acid 3 with glycine.
Molecular consequence: missense variant.
Genome position (GRCh38, 1-based): chr12:112,907,047, A>G. VCF-style: chr12-112907047-A-G. GRCh37 (hg19) VCF-style: chr12-113344852-A-G.
Other names: c.8A>G, p.Asp3Gly (NM_001032409.3, NM_001320151.2, NM_001406020.1 and 11 more transcripts); short protein forms D3G.
Identifiers: ClinVar variation 1942217 (VCV001942217.5), dbSNP rs1270262472, ClinGen allele CA386798090.
Genomic context (GRCh38, chr12:112,907,047, plus strand): 5'-ATAAAAGCAAACAGGTCTGGGAGGCAGTTCTGTTGCCACTCTCTCTCCTGTCAATGATGG[A>G]TCTCAGAAATACCCCAGCCAAATCTCTGGACAAGTTCATTGAAGACTATCTCTTGCCAGA-3'
Protein context (NP_058132.2, residues 1-13): MM[Asp3Gly]LRNTPAKSLD